The following is an entry in ClinVar:

ClinVar aggregate classification (germline): Pathogenic (1 of 4 stars; one submission).

Conditions:
Retinitis pigmentosa 25 (RP25). Identifiers: Orphanet 791, MedGen C1864446, MONDO:0011272, OMIM 602772.

Submission:

Myriad Genetics, Inc.
Classification: Pathogenic for Retinitis pigmentosa 25. Last evaluated: 2026-07-30. Review status: criteria provided, single submitter. Criteria: Myriad Autosomal Dominant, Autosomal Recessive and X-Linked Classification Criteria (2023). Collection method: clinical testing. Allele origin: unknown.
Comment: NM_001142800.1(EYS):c.1075_1079dup5(I361Hfs*21) is expected to be pathogenic in the context of retinitis pigmentosa, EYS-related. This variant is predicted to lead to an abnormal or absent protein product due to the creation of a premature termination codon in EYS, a gene where loss-of-function variants are known to be pathogenic. Please note: this variant was assessed in the context of healthy population screening.

NM_001142800.2(EYS):c.1075_1079dup (p.Ile361fs)

Gene: EYS (EGF-like photoreceptor maintenance factor; minus strand). Cytogenetic location: 6q12.
Variant type: Duplication.
Coding change: c.1075_1079dup on transcript NM_001142800.2 (MANE Select); coding-DNA positions 1075 to 1079, 5 bases duplicated (TCACC; older notation c.1075_1079dupTCACC).
Protein change: p.Ile361fs; shifts the reading frame from isoleucine 361.
Molecular consequence: frameshift variant.
Genome position (GRCh38, 1-based): chr6:65,402,583-65,402,587, GGTGA duplicated on the plus strand (TCACC on the coding strand, the reverse complement: EYS is on the minus strand). VCF-style (leftmost placement, unchanged base first): chr6-65402582-T-TGGTGA. GRCh37 (hg19) VCF-style: chr6-66112475-T-TGGTGA.
Other names: c.1075_1079dup, p.Ile361fs (NM_001142801.2, NM_001292009.2, NM_198283.2); short protein forms I361fs.
Identifiers: ClinVar variation 5016182 (VCV005016182.1).